The following is an entry in ClinVar:

ClinVar aggregate classification (germline): Uncertain significance (1 of 4 stars; one submission).

Submission:

Geisinger Autism and Developmental Medicine Institute, Geisinger Health System
Classification: Uncertain significance. Last evaluated: 2018-02-26. Review status: criteria provided, single submitter. Criteria: ACMG CNV Guidelines, 2011. Collection method: provider interpretation. Allele origin: maternal.

Single allele

Genes: ACAP1 (ArfGAP with coiled-coil, ankyrin repeat and PH domains 1; plus strand), EIF5A (eukaryotic translation initiation factor 5A; plus strand), GPS2 (G protein pathway suppressor 2; minus strand), SLC2A4 (solute carrier family 2 member 4; plus strand), YBX2 (Y-box binding protein 2; minus strand) and 1 more. Cytogenetic location: 17p13.1.
Variant type: Duplication.
Identifiers: ClinVar variation 560047 (VCV000560047.3).